The following is an entry in ClinVar:

NM_005051.3(QARS1):c.1855T>C (p.Phe619Leu)

Gene: QARS1 (glutaminyl-tRNA synthetase 1; minus strand). Cytogenetic location: 3p21.31.
Variant type: single nucleotide variant.
Coding change: c.1855T>C on transcript NM_005051.3 (MANE Select); coding-DNA position 1855, T replaced by C.
Protein change: p.Phe619Leu; replaces phenylalanine 619 with leucine.
Molecular consequence: missense variant. On other transcripts: non-coding transcript variant (1).
Genome position (GRCh38, 1-based): chr3:49,098,893, A>G on the plus strand (T>C on the coding strand, the complement: QARS1 is on the minus strand). VCF-style: chr3-49098893-A-G. GRCh37 (hg19) VCF-style: chr3-49136326-A-G.
Other names: c.1822T>C, p.Phe608Leu (NM_001272073.2); short protein forms F608L, F619L.
Identifiers: ClinVar variation 1037813 (VCV001037813.1), dbSNP rs758004160, ClinGen allele CA352700799.

ClinVar aggregate classification (germline): Uncertain significance (1 of 4 stars; one submission).

Conditions:
Diffuse cerebral and cerebellar atrophy - intractable seizures - progressive microcephaly syndrome. Also called: Microcephaly, progressive, with seizures and cerebral and cerebellar atrophy. Identifiers: Orphanet 404437, MedGen C4014239, MONDO:0014335, OMIM 615760.

Submission:

Labcorp Genetics (formerly Invitae), Labcorp
Classification: Uncertain significance for Diffuse cerebral and cerebellar atrophy - intractable seizures - progressive microcephaly syndrome. Last evaluated: 2020-04-08. Review status: criteria provided, single submitter. Criteria: Invitae Variant Classification Sherloc (09022015). Collection method: clinical testing. Allele origin: germline.
Comment: This sequence change replaces phenylalanine with leucine at codon 619 of the QARS protein (p.Phe619Leu). The phenylalanine residue is highly conserved and there is a small physicochemical difference between phenylalanine and leucine. This variant is not present in population databases (ExAC no frequency). This variant has not been reported in the literature in individuals with QARS-related conditions. Algorithms developed to predict the effect of missense changes on protein structure and function are either unavailable or do not agree on the potential impact of this missense change (SIFT: Deleterious; PolyPhen-2: Possibly Damaging; Align-GVGD: Class C0). In summary, the available evidence is currently insufficient to determine the role of this variant in disease. Therefore, it has been classified as a Variant of Uncertain Significance.